The following is an entry in ClinVar:

NM_014324.6(AMACR):c.848G>C (p.Trp283Ser)

Genes: C1QTNF3-AMACR (C1QTNF3-AMACR readthrough (NMD candidate); minus strand), AMACR (alpha-methylacyl-CoA racemase; minus strand). Cytogenetic location: 5p13.2.
Variant type: single nucleotide variant.
Coding change: c.848G>C on transcript NM_014324.6 (MANE Select); coding-DNA position 848, G replaced by C.
Protein change: p.Trp283Ser; replaces tryptophan 283 with serine.
Molecular consequence: missense variant. On other transcripts: non-coding transcript variant (1), 3 prime UTR variant (1).
Genome position (GRCh38, 1-based): chr5:33,989,394, C>G on the plus strand (G>C on the coding strand, the complement: AMACR is on the minus strand). VCF-style: chr5-33989394-C-G. GRCh37 (hg19) VCF-style: chr5-33989499-C-G.
Other names: c.848G>C, p.Trp283Ser (NM_001167595.2); c.*90G>C (NM_203382.3); c.848G>C (NM_014324.5); short protein forms W283S.
Identifiers: ClinVar variation 1401327 (VCV001401327.7), dbSNP rs944463227, ClinGen allele CA116908298.
Genomic context (GRCh38, chr5:33,989,394, plus strand): 5'-ACCTCCTCAAAAGTCAGAACCGGAGTCACACAGGCATCTGTGCCGTCAAAGATTTGACAC[C>G]ACTCTGCCTTCGTCTTCTCTGCAAATACATCTGCAAACTTCTTCTTCATTTCTGGCCAAT-3'
Protein context (NP_055139.4, residues 273-293): DVFAEKTKAE[Trp283Ser]CQIFDGTDAC

ClinVar aggregate classification (germline): Uncertain significance. Review status: criteria provided, multiple submitters, no conflicts (2 of 4 stars). 3 submissions from 3 submitters: Uncertain significance (3). Last evaluated 2025-11-11.

Conditions:
AMACR-related disorder. Also called: AMACR-Related Disorders; AMACR-related condition.
Inborn genetic diseases. Identifiers: MedGen C0950123, MeSH D030342.
Alpha-methylacyl-CoA racemase deficiency (AMACRD). Also called: AMACR deficiency. Identifiers: Orphanet 79095, MedGen C3280428, MONDO:0013681, OMIM 614307. Disease mechanism: loss of function.

Allele frequency attached by ClinVar (database versions not stated): gnomAD 0.00003; TOPMed 0.00005.
gnomAD v4.1: 5 of 1,614,070 alleles (0.00031%); highest among the groups gnomAD compares: Admixed American, 0.0067%; no homozygotes.

Submissions (3):

PreventionGenetics, part of Exact Sciences
Classification: Uncertain significance for AMACR-related condition. Last evaluated: 2025-11-11. Review status: criteria provided, single submitter. Criteria: ACMG Guidelines, 2015. Collection method: clinical testing. Allele origin: germline.
Comment: The AMACR c.848G>C variant is predicted to result in the amino acid substitution p.Trp283Ser. To our knowledge, this variant has not been reported in the literature or in a large population database (gnomAD), indicating this variant is rare. At this time, the clinical significance of this variant is uncertain due to the absence of conclusive functional and genetic evidence.

Ambry Genetics
Classification: Uncertain significance for Inborn genetic diseases. Last evaluated: 2024-02-28. Review status: criteria provided, single submitter. Criteria: Ambry Variant Classification Scheme 2023. Collection method: clinical testing. Allele origin: germline.

Labcorp Genetics (formerly Invitae), Labcorp
Classification: Uncertain significance for Alpha-methylacyl-CoA racemase deficiency. Last evaluated: 2021-09-17. Review status: criteria provided, single submitter. Criteria: Invitae Variant Classification Sherloc (09022015). Collection method: clinical testing. Allele origin: germline.
Comment: This sequence change replaces tryptophan with serine at codon 283 of the AMACR protein (p.Trp283Ser). The tryptophan residue is highly conserved and there is a large physicochemical difference between tryptophan and serine. This variant is not present in population databases (ExAC no frequency). This variant has not been reported in the literature in individuals affected with AMACR-related conditions. Algorithms developed to predict the effect of missense changes on protein structure and function (SIFT, PolyPhen-2, Align-GVGD) all suggest that this variant is likely to be disruptive. In summary, the available evidence is currently insufficient to determine the role of this variant in disease. Therefore, it has been classified as a Variant of Uncertain Significance.